The following is an entry in ClinVar:

ClinVar aggregate classification (germline): Uncertain significance. Review status: criteria provided, multiple submitters, no conflicts (2 of 4 stars). 2 submissions from 2 submitters: Uncertain significance (2). Last evaluated 2026-03-20.

Conditions:
MKKS-related disorder. Also called: MKKS-related disorders; MKKS-related condition.
Inborn genetic diseases. Identifiers: MedGen C0950123, MeSH D030342.

Allele frequency attached by ClinVar (database versions not stated): gnomAD exomes below 0.00001; ExAC 0.00001.
gnomAD v4.1: 5 of 1,613,970 alleles (0.00031%); highest among the groups gnomAD compares: South Asian, 0.0011%; no homozygotes.

Submissions (2):

PreventionGenetics, part of Exact Sciences
Classification: Uncertain significance for MKKS-related condition. Last evaluated: 2026-03-20. Review status: criteria provided, single submitter. Criteria: ACMG Guidelines, 2015. Collection method: clinical testing. Allele origin: germline.
Comment: The MKKS c.1160A>G variant is predicted to result in the amino acid substitution p.Lys387Arg. To our knowledge, this variant has not been reported in the literature. This variant is reported in 0.0018% of alleles in individuals of European (Non-Finnish) descent in gnomAD. At this time, the clinical significance of this variant is uncertain due to the absence of conclusive functional and genetic evidence.

Ambry Genetics
Classification: Uncertain significance for Inborn genetic diseases. Last evaluated: 2025-08-21. Review status: criteria provided, single submitter. Criteria: Ambry Variant Classification Scheme 2023. Collection method: clinical testing. Allele origin: germline.

NM_170784.3(MKKS):c.1160A>G (p.Lys387Arg)

Gene: MKKS (MKKS centrosomal shuttling protein; minus strand). Cytogenetic location: 20p12.2.
Variant type: single nucleotide variant.
Coding change: c.1160A>G on transcript NM_170784.3 (MANE Select); coding-DNA position 1160, A replaced by G.
Protein change: p.Lys387Arg; replaces lysine 387 with arginine.
Molecular consequence: missense variant. On other transcripts: non-coding transcript variant (1).
Genome position (GRCh38, 1-based): chr20:10,408,629, T>C on the plus strand (A>G on the coding strand, the complement: MKKS is on the minus strand). VCF-style: chr20-10408629-T-C. GRCh37 (hg19) VCF-style: chr20-10389277-T-C.
Other names: c.1160A>G, p.Lys387Arg (NM_018848.3); short protein forms K387R.
Identifiers: ClinVar variation 2514495 (VCV002514495.4), dbSNP rs773787392, ClinGen allele CA9763555.